The following is an entry in ClinVar:

ClinVar aggregate classification (germline): Benign. Review status: criteria provided, multiple submitters, no conflicts (2 of 4 stars). 2 submissions from 2 submitters: Benign (2). Last evaluated 2023-10-22.

Conditions:
Multiple cutaneous and mucosal venous malformations (VMCM). Also called: TEK-Related Multiple Cutaneous and Mucosal Venous Malformations (VMCM). Identifiers: Orphanet 2451, MedGen C1838437, MONDO:0010842, OMIM 600195.

Allele frequency attached by ClinVar (database versions not stated): gnomAD exomes 0.00035 and 0.00061; TOPMed 0.00045; gnomAD 0.00052 and 0.00056; 1000 Genomes Project 0.00020; 1000 Genomes Project 30x 0.00016; ExAC 0.00039; ESP Exome Variant Server 0.00077.
gnomAD v4.1: 952 of 1,612,988 alleles (0.059%); highest among the groups gnomAD compares: Non-Finnish European, 0.077%; 1 homozygote.

Submissions (2):

Labcorp Genetics (formerly Invitae), Labcorp
Classification: Benign. Last evaluated: 2023-10-22. Review status: criteria provided, single submitter. Criteria: Invitae Variant Classification Sherloc (09022015). Collection method: clinical testing. Allele origin: germline.

Illumina Laboratory Services, Illumina
Classification: Benign for Multiple cutaneous and mucosal venous malformations. Last evaluated: 2018-01-13. Review status: criteria provided, single submitter. Criteria: ICSL Variant Classification Criteria 13 December 2019. Collection method: clinical testing. Allele origin: germline.
Comment: This variant was observed in the ICSL laboratory as part of a predisposition screen in an ostensibly healthy population. It had not been previously curated by ICSL or reported in the Human Gene Mutation Database (HGMD: prior to June 1st, 2018), and was therefore a candidate for classification through an automated scoring system. Utilizing variant allele frequency, disease prevalence and penetrance estimates, and inheritance mode, an automated score was calculated to assess if this variant is too frequent to cause the disease. Based on the score and internal cut-off values, a variant classified as benign is not then subjected to further curation. The score for this variant resulted in a classification of benign for this disease.

NM_000459.5(TEK):c.3200+12C>G

Gene: TEK (TEK receptor tyrosine kinase; plus strand). Cytogenetic location: 9p21.2.
Variant type: single nucleotide variant.
Coding change: c.3200+12C>G on transcript NM_000459.5 (MANE Select); 12 bases into the intron after coding-DNA position 3200, C replaced by G.
Molecular consequence: intron variant.
Genome position (GRCh38, 1-based): chr9:27,220,157, C>G. VCF-style: chr9-27220157-C-G. GRCh37 (hg19) VCF-style: chr9-27220155-C-G.
Other names: c.3071+12C>G (NM_001290077.2); c.2756+12C>G (NM_001290078.2); c.3197+12C>G (NM_001375475.1); c.3068+12C>G (NM_001375476.1).
Identifiers: ClinVar variation 366453 (VCV000366453.8), dbSNP rs148623971, ClinGen allele CA5016768.